The following is an entry in ClinVar:

NM_000179.3(MSH6):c.1669_1670del (p.Gly557fs)

Gene: MSH6 (mutS homolog 6; plus strand). Cytogenetic location: 2p16.3.
Variant type: Deletion.
Coding change: c.1669_1670del on transcript NM_000179.3 (MANE Select); coding-DNA positions 1669 to 1670, 2 bases deleted (GG; older notation c.1669_1670delGG).
Protein change: p.Gly557fs; shifts the reading frame from glycine 557.
Molecular consequence: frameshift variant.
Genome position (GRCh38, 1-based): chr2:47,799,652-47,799,653, GG deleted. VCF-style (leftmost placement, unchanged base first): chr2-47799651-TGG-T. GRCh37 (hg19) VCF-style: chr2-48026790-TGG-T.
Other names: c.1279_1280del, p.Gly427fs (NM_001281492.2); c.763_764del, p.Gly255fs (NM_001281493.2, NM_001281494.2); c.1669_1670delGG (NM_000179.2); short protein forms G427fs, G557fs, G255fs.
Identifiers: ClinVar variation 428441 (VCV000428441.5), dbSNP rs1114167800, ClinGen allele CA645369251.

ClinVar aggregate classification (germline): Pathogenic (1 of 4 stars; one submission).

Conditions:
Hereditary cancer-predisposing syndrome. Also called: Hereditary Cancer Syndrome; Neoplastic Syndromes, Hereditary; Hereditary neoplastic syndrome; Tumor predisposition. Identifiers: Orphanet 140162, MedGen C0027672, MeSH D009386, MONDO:0015356.

Submission:

Ambry Genetics
Classification: Pathogenic for Hereditary cancer-predisposing syndrome. Last evaluated: 2022-08-31. Review status: criteria provided, single submitter. Criteria: Ambry Variant Classification Scheme 2023. Collection method: clinical testing. Allele origin: germline.
Comment: The c.1669_1670delGG pathogenic mutation, located in coding exon 4 of the MSH6 gene, results from a deletion of two nucleotides at nucleotide positions 1669 to 1670, causing a translational frameshift with a predicted alternate stop codon (p.G557Cfs*5). This alteration is expected to result in loss of function by premature protein truncation or nonsense-mediated mRNA decay. As such, this alteration is interpreted as a disease-causing mutation.